The following is an entry in ClinVar:

ClinVar aggregate classification (germline): Conflicting classifications of pathogenicity. Review status: criteria provided, conflicting classifications (1 of 4 stars). 3 submissions from 3 submitters: Uncertain significance (2); Likely benign (1). Last evaluated 2025-02-04.

Allele frequency attached by ClinVar (database versions not stated): gnomAD 0.00001; ExAC 0.00002; gnomAD exomes 0.00002; TOPMed 0.00002.
gnomAD v4.1: 38 of 1,614,044 alleles (0.0024%); highest among the groups gnomAD compares: Middle Eastern, 0.016%; no homozygotes.

Submissions (3):

Labcorp Genetics (formerly Invitae), Labcorp
Classification: Uncertain significance. Last evaluated: 2025-02-04. Review status: criteria provided, single submitter. Criteria: Invitae Variant Classification Sherloc (09022015). Collection method: clinical testing. Allele origin: germline.
Comment: This sequence change replaces methionine, which is neutral and non-polar, with isoleucine, which is neutral and non-polar, at codon 93 of the SLC25A3 protein (p.Met93Ile). This variant is present in population databases (rs750003586, gnomAD 0.006%). This variant has not been reported in the literature in individuals affected with SLC25A3-related conditions. ClinVar contains an entry for this variant (Variation ID: 215162). An algorithm developed to predict the effect of missense changes on protein structure and function (PolyPhen-2) suggests that this variant is likely to be tolerated. In summary, the available evidence is currently insufficient to determine the role of this variant in disease. Therefore, it has been classified as a Variant of Uncertain Significance.

Ambry Genetics
Classification: Uncertain significance. Last evaluated: 2023-10-14. Review status: criteria provided, single submitter. Criteria: Ambry Variant Classification Scheme 2023. Collection method: clinical testing. Allele origin: germline.

GeneDx
Classification: Likely benign. Last evaluated: 2014-07-28. Review status: criteria provided, single submitter. Criteria: GeneDx Variant Classification (06012015). Collection method: clinical testing. Allele origin: germline. Affected: yes.
Comment: This variant is considered likely benign or benign based on one or more of the following criteria: it is a conservative change, it occurs at a poorly conserved position in the protein, it is predicted to be benign by multiple in silico algorithms, and/or has population frequency not consistent with disease.

NM_005888.4(SLC25A3):c.279G>T (p.Met93Ile)

Genes: SLC25A3 (solute carrier family 25 member 3; plus strand), LOC130008523 (ATAC-STARR-seq lymphoblastoid active region 6847; plus strand). Cytogenetic location: 12q23.1.
Variant type: single nucleotide variant.
Coding change: c.279G>T on transcript NM_005888.4 (MANE Plus Clinical); coding-DNA position 279, G replaced by T.
Protein change: p.Met93Ile; replaces methionine 93 with isoleucine.
Molecular consequence: missense variant. On other transcripts: intron variant (2).
Genome position (GRCh38, 1-based): chr12:98,595,554, G>T. VCF-style: chr12-98595554-G-T. GRCh37 (hg19) VCF-style: chr12-98989332-G-T.
Other names: p.M93I:ATG>ATT; c.158-173G>T (NM_213611.3, NM_002635.4); short protein forms M93I.
Identifiers: ClinVar variation 215162 (VCV000215162.5), dbSNP rs750003586, ClinGen allele CA320374.